The following is an entry in ClinVar:

ClinVar aggregate classification (germline): Benign (1 of 4 stars; one submission).

Allele frequency attached by ClinVar (database versions not stated): gnomAD 0.83546 and 0.84018; TOPMed 0.82872; 1000 Genomes Project 30x 0.87196; 1000 Genomes Project 0.87700.

Submission:

GeneDx
Classification: Benign. Last evaluated: 2018-06-18. Review status: criteria provided, single submitter. Criteria: GeneDx Variant Classification (06012015). Collection method: clinical testing. Allele origin: germline. Affected: yes.
Comment: This variant is considered likely benign or benign based on one or more of the following criteria: it is a conservative change, it occurs at a poorly conserved position in the protein, it is predicted to be benign by multiple in silico algorithms, and/or has population frequency not consistent with disease.

NM_021914.7(CFL2):c.-1364A>G

Gene: CFL2 (cofilin 2; minus strand). Cytogenetic location: 14q13.1.
Variant type: single nucleotide variant.
Coding change: c.-1364A>G on transcript NM_021914.7; 1364 bases upstream of the start codon, A replaced by G.
Genome position (GRCh38, 1-based): chr14:34,715,040, T>C on the plus strand (A>G on the coding strand, the complement: CFL2 is on the minus strand). VCF-style: chr14-34715040-T-C. GRCh37 (hg19) VCF-style: chr14-35184246-T-C.
Identifiers: ClinVar variation 668071 (VCV000668071.3), dbSNP rs10141801, ClinGen allele CA15811327.
Genomic context (GRCh38, chr14:34,715,040, plus strand): 5'-GGGTGGGTGCGTGTGAGGGGAACTCCTGCGAAGGTGTCTTTCCTTATTTACCTGTGGTTT[T>C]CCCGAAAGAGGCTGGATTTCGACATTTTGAGTCTTTTTGGAAAACCCCCAGTTGTTTAGA-3'